The following is an entry in ClinVar:

ClinVar aggregate classification (germline): Uncertain significance (1 of 4 stars; one submission).

Conditions:
Facioscapulohumeral muscular dystrophy 2 (FSHD2). Also called: MUSCULAR DYSTROPHY, FACIOSCAPULOHUMERAL, TYPE 1B; FACIOSCAPULOHUMERAL MUSCULAR DYSTROPHY 2, DIGENIC; FSHD2, DIGENIC. Identifiers: Orphanet 269, MedGen C1834671, MONDO:0008031, OMIM 158901.

Allele frequency attached by ClinVar (database versions not stated): TOPMed 0.00001.

Submission:

Labcorp Genetics (formerly Invitae), Labcorp
Classification: Uncertain significance for Facioscapulohumeral muscular dystrophy 2. Last evaluated: 2022-02-17. Review status: criteria provided, single submitter. Criteria: Invitae Variant Classification Sherloc (09022015). Collection method: clinical testing. Allele origin: germline.
Comment: This sequence change replaces proline, which is neutral and non-polar, with serine, which is neutral and polar, at codon 357 of the SMCHD1 protein (p.Pro357Ser). This variant is not present in population databases (gnomAD no frequency). This variant has not been reported in the literature in individuals affected with SMCHD1-related conditions. Algorithms developed to predict the effect of missense changes on protein structure and function are either unavailable or do not agree on the potential impact of this missense change (SIFT: "Tolerated"; PolyPhen-2: "Possibly Damaging"; Align-GVGD: "Class C0"). In summary, the available evidence is currently insufficient to determine the role of this variant in disease. Therefore, it has been classified as a Variant of Uncertain Significance.

NM_015295.3(SMCHD1):c.1069C>T (p.Pro357Ser)

Gene: SMCHD1 (structural maintenance of chromosomes flexible hinge domain containing 1; plus strand). Cytogenetic location: 18p11.32.
Variant type: single nucleotide variant.
Coding change: c.1069C>T on transcript NM_015295.3 (MANE Select); coding-DNA position 1069, C replaced by T.
Protein change: p.Pro357Ser; replaces proline 357 with serine.
Molecular consequence: missense variant.
Genome position (GRCh38, 1-based): chr18:2,697,060, C>T. VCF-style: chr18-2697060-C-T. GRCh37 (hg19) VCF-style: chr18-2697058-C-T.
Other names: short protein forms P357S.
Identifiers: ClinVar variation 1980674 (VCV001980674.4), dbSNP rs1336592371, ClinGen allele CA401696288.
Genomic context (GRCh38, chr18:2,697,060, plus strand): 5'-TAAAAGTATAAAATTATTCTTCTCTATTTTAGGCATATTTATCACTACTATATTCATGGC[C>T]CAAAAGGAAATGAAATACGAACATCAAAAGAAGTTGAACCTTTCAACAATATTGATATTG-3'
Protein context (NP_056110.2, residues 347-367): AHIYHYYIHG[Pro357Ser]KGNEIRTSKE